The following is an entry in ClinVar:

ClinVar aggregate classification (germline): Uncertain significance (1 of 4 stars; one submission).

Allele frequency attached by ClinVar (database versions not stated): gnomAD exomes below 0.00001 and 0.00001; TOPMed below 0.00001; ExAC 0.00002.
gnomAD v4.1: 4 of 1,613,796 alleles (0.00025%); highest among the groups gnomAD compares: Non-Finnish European, 0.00025%; no homozygotes.

Submission:

Labcorp Genetics (formerly Invitae), Labcorp
Classification: Uncertain significance. Last evaluated: 2022-11-08. Review status: criteria provided, single submitter. Criteria: Invitae Variant Classification Sherloc (09022015). Collection method: clinical testing. Allele origin: germline.
Comment: In summary, the available evidence is currently insufficient to determine the role of this variant in disease. Therefore, it has been classified as a Variant of Uncertain Significance. This variant is present in population databases (rs767732863, gnomAD 0.006%). Algorithms developed to predict the effect of missense changes on protein structure and function are either unavailable or do not agree on the potential impact of this missense change (SIFT: "Deleterious"; PolyPhen-2: "Possibly Damaging"; Align-GVGD: "Class C0"). ClinVar contains an entry for this variant (Variation ID: 1052600). This variant has not been reported in the literature in individuals affected with RIMS1-related conditions. This sequence change replaces arginine, which is basic and polar, with glutamine, which is neutral and polar, at codon 1675 of the RIMS1 protein (p.Arg1675Gln).

NM_014989.7(RIMS1):c.5024G>A (p.Arg1675Gln)

Gene: RIMS1 (regulating synaptic membrane exocytosis 1; plus strand). Cytogenetic location: 6q13.
Variant type: single nucleotide variant.
Coding change: c.5024G>A on transcript NM_014989.7 (MANE Select); coding-DNA position 5024, G replaced by A.
Protein change: p.Arg1675Gln; replaces arginine 1675 with glutamine.
Molecular consequence: missense variant.
Genome position (GRCh38, 1-based): chr6:72,400,659, G>A. VCF-style: chr6-72400659-G-A. GRCh37 (hg19) VCF-style: chr6-73110361-G-A.
Other names: c.2984G>A, p.Arg995Gln (NM_001168407.2); c.2399G>A, p.Arg800Gln (NM_001168408.2, NM_001350430.2); c.2228G>A, p.Arg743Gln (NM_001168409.2); c.2426G>A, p.Arg809Gln (NM_001168410.2); c.605G>A, p.Arg202Gln (NM_001168411.2); c.2945G>A, p.Arg982Gln (NM_001350414.2); c.3041G>A, p.Arg1014Gln (NM_001350415.2); c.2990G>A, p.Arg997Gln (NM_001350416.2); and 54 more; short protein forms R1010Q, R1014Q, R1024Q, R1027Q, R1033Q, R1056Q, R1057Q, R1059Q.
Identifiers: ClinVar variation 1052600 (VCV001052600.9), dbSNP rs767732863, ClinGen allele CA3886651.
Genomic context (GRCh38, chr6:72,400,659, plus strand): 5'-GGTACAAATTGTTCCCACCGTCCTCACTGGTGGATCCCACACTCACTCCCCTCACCCGGC[G>A]GGCTTCCCAGTCATCTCTGGAAAGTTCAACTGGGCCTCCCTGTATTCGATCATAGTGAAC-3'
Protein context (NP_055804.2, residues 1665-1685): VDPTLTPLTR[Arg1675Gln]ASQSSLESST